The following is an entry in ClinVar:

NM_019884.3(GSK3A):c.1379-1G>T

Gene: GSK3A (glycogen synthase kinase 3 alpha; minus strand). Cytogenetic location: 19q13.2.
Variant type: single nucleotide variant.
Coding change: c.1379-1G>T on transcript NM_019884.3 (MANE Select); the canonical splice acceptor site of the intron before coding-DNA position 1379, G replaced by T.
Molecular consequence: splice acceptor variant.
Genome position (GRCh38, 1-based): chr19:42,230,868, C>A on the plus strand (G>T on the coding strand, the complement: GSK3A is on the minus strand). VCF-style: chr19-42230868-C-A. GRCh37 (hg19) VCF-style: chr19-42735020-C-A.
Identifiers: ClinVar variation 2672767 (VCV002672767.23), dbSNP rs2513497318, ClinGen allele CA406084705.

ClinVar aggregate classification (germline): Uncertain significance (1 of 4 stars; one submission).

Allele frequency attached by ClinVar (database versions not stated): gnomAD exomes below 0.00001.
gnomAD v4.1: 1 of 1,557,182 alleles (0.000064%); no homozygotes.

Submission:

CeGaT Center for Human Genetics Tuebingen
Classification: Uncertain significance. Last evaluated: 2023-10-01. Review status: criteria provided, single submitter. Criteria: CeGaT Center For Human Genetics Tuebingen Variant Classification Criteria Version 2. Collection method: clinical testing. Allele origin: germline. Affected: yes. Observed: 1 variant allele.
Comment: GSK3A: PM2